The following is an entry in ClinVar:

ClinVar aggregate classification (germline): Uncertain significance (1 of 4 stars; one submission).

Conditions:
Epidermolysis bullosa simplex with nail dystrophy (EBS5D). Identifiers: MedGen C4225309, MONDO:0014661, OMIM 616487.
Epidermolysis bullosa simplex 5B, with muscular dystrophy (EBS5B). Also called: EPIDERMOLYSIS BULLOSA SIMPLEX AND LIMB-GIRDLE MUSCULAR DYSTROPHY; Epidermolysis bullosa simplex with muscular dystrophy. Identifiers: Orphanet 257, MedGen C2931072, MONDO:0009181, OMIM 226670.
Epidermolysis bullosa simplex, Ogna type (EBS5A). Also called: Pidermolysis bullosa simplex 5A, Ogna type; EPIDERMOLYSIS BULLOSA SIMPLEX 5A, OGNA TYPE. Identifiers: Orphanet 79401, MedGen C0432317, MONDO:0007555, OMIM 131950.
Autosomal recessive limb-girdle muscular dystrophy type 2Q (LGMDR17). Also called: MUSCULAR DYSTROPHY, LIMB-GIRDLE, AUTOSOMAL RECESSIVE 17. Identifiers: Orphanet 254361, MedGen C3150989, MONDO:0013390, OMIM 613723.
Epidermolysis bullosa simplex 5C, with pyloric atresia (EBS5C). Also called: Epidermolysis bullosa simplex with pyloric atresia; PLEC-Related Epidermolysis Bullosa with Pyloric Atresia; PLEC1-Related Epidermolysis Bullosa with Pyloric Atresia. Identifiers: Orphanet 158684, MedGen C2677349, MONDO:0012807, OMIM 612138.

Allele frequency attached by ClinVar (database versions not stated): gnomAD exomes below 0.00001; ExAC 0.00001; gnomAD 0.00002; TOPMed 0.00002.
gnomAD v4.1: 10 of 1,608,704 alleles (0.00062%); highest among the groups gnomAD compares: South Asian, 0.0055%; no homozygotes.

Submission:

Labcorp Genetics (formerly Invitae), Labcorp
Classification: Uncertain significance for Autosomal recessive limb-girdle muscular dystrophy type 2Q; Epidermolysis bullosa simplex, Ogna type; Epidermolysis bullosa simplex with nail dystrophy; Epidermolysis bullosa simplex 5C, with pyloric atresia; Epidermolysis bullosa simplex 5B, with muscular dystrophy. Last evaluated: 2022-06-11. Review status: criteria provided, single submitter. Criteria: Invitae Variant Classification Sherloc (09022015). Collection method: clinical testing. Allele origin: germline.
Comment: This sequence change replaces glutamine, which is neutral and polar, with histidine, which is basic and polar, at codon 539 of the PLEC protein (p.Gln539His). In summary, the available evidence is currently insufficient to determine the role of this variant in disease. Therefore, it has been classified as a Variant of Uncertain Significance. Algorithms developed to predict the effect of missense changes on protein structure and function are either unavailable or do not agree on the potential impact of this missense change (SIFT: "Tolerated"; PolyPhen-2: "Not Available"; Align-GVGD: "Class C0"). This variant has not been reported in the literature in individuals affected with PLEC-related conditions. This variant is present in population databases (rs782758186, gnomAD 0.007%).

NM_201384.3(PLEC):c.1536G>C (p.Gln512His)

Gene: PLEC (plectin; minus strand). Cytogenetic location: 8q24.3.
Variant type: single nucleotide variant.
Coding change: c.1536G>C on transcript NM_201384.3 (MANE Select); coding-DNA position 1536, G replaced by C.
Protein change: p.Gln512His; replaces glutamine 512 with histidine.
Molecular consequence: missense variant.
Genome position (GRCh38, 1-based): chr8:143,932,994, C>G on the plus strand (G>C on the coding strand, the complement: PLEC is on the minus strand). VCF-style: chr8-143932994-C-G. GRCh37 (hg19) VCF-style: chr8-145007162-C-G.
Other names: c.1617G>C, p.Gln539His (NM_000445.5, NM_001410941.1); c.1494G>C, p.Gln498His (NM_201378.4); c.1470G>C, p.Gln490His (NM_201379.3); c.1947G>C, p.Gln649His (NM_201380.4); c.1440G>C, p.Gln480His (NM_201381.3); c.1536G>C, p.Gln512His (NM_201382.4); c.1548G>C, p.Gln516His (NM_201383.3); short protein forms Q480H, Q516H, Q512H, Q649H, Q490H, Q498H, Q539H.
Identifiers: ClinVar variation 2158035 (VCV002158035.4), dbSNP rs782758186, ClinGen allele CA4927933.